The following is an entry in ClinVar:

NM_014639.4(SKIC3):c.4274del (p.Lys1425fs)

Gene: SKIC3 (SKI3 subunit of superkiller complex; minus strand). Cytogenetic location: 5q15.
Variant type: Deletion.
Coding change: c.4274del on transcript NM_014639.4 (MANE Select); coding-DNA position 4274, one base deleted (A; older notation c.4274delA).
Protein change: p.Lys1425fs; shifts the reading frame from lysine 1425.
Molecular consequence: frameshift variant.
Genome position (GRCh38, 1-based): chr5:95,478,381, T deleted on the plus strand (A on the coding strand, the reverse complement: SKIC3 is on the minus strand); the first of 3 consecutive T bases (chr5:95,478,381-95,478,383); deleting any one gives the same sequence. VCF-style (leftmost placement, unchanged base first): chr5-95478380-CT-C. GRCh37 (hg19) VCF-style: chr5-94814084-CT-C.
Other names: short protein forms K1425fs.
Identifiers: ClinVar variation 2841518 (VCV002841518.3), dbSNP rs2530684534, ClinGen allele CA2739274859.

ClinVar aggregate classification (germline): Pathogenic (1 of 4 stars; one submission).

Submission:

Labcorp Genetics (formerly Invitae), Labcorp
Classification: Pathogenic. Last evaluated: 2023-02-28. Review status: criteria provided, single submitter. Criteria: Invitae Variant Classification Sherloc (09022015). Collection method: clinical testing. Allele origin: germline.
Comment: This sequence change creates a premature translational stop signal (p.Lys1425Argfs*20) in the TTC37 gene. It is expected to result in an absent or disrupted protein product. Loss-of-function variants in TTC37 are known to be pathogenic (PMID: 20176027, 21120949). This variant is not present in population databases (gnomAD no frequency). This variant has not been reported in the literature in individuals affected with TTC37-related conditions. For these reasons, this variant has been classified as Pathogenic.

Literature cited by the submitters: PubMed 20176027; PubMed 21120949.